The following is an entry in ClinVar:

NM_133259.4(LRPPRC):c.74G>A (p.Arg25His)

Gene: LRPPRC (leucine rich pentatricopeptide repeat containing; minus strand). Cytogenetic location: 2p21.
Variant type: single nucleotide variant.
Coding change: c.74G>A on transcript NM_133259.4 (MANE Select); coding-DNA position 74, G replaced by A.
Protein change: p.Arg25His; replaces arginine 25 with histidine.
Molecular consequence: missense variant.
Genome position (GRCh38, 1-based): chr2:43,995,874, C>T on the plus strand (G>A on the coding strand, the complement: LRPPRC is on the minus strand). VCF-style: chr2-43995874-C-T. GRCh37 (hg19) VCF-style: chr2-44223013-C-T.
Other names: p.Arg25His; short protein forms R25H.
Identifiers: ClinVar variation 336177 (VCV000336177.19), dbSNP rs780400922, ClinGen allele CA1639470.

ClinVar aggregate classification (germline): Uncertain significance. Review status: criteria provided, multiple submitters, no conflicts (2 of 4 stars). 9 submissions from 9 submitters: Uncertain significance (8). 1 of the submissions does not count toward it. Last evaluated 2026-08-01.

Conditions:
Congenital lactic acidosis, Saguenay-Lac-Saint-Jean type (MC4DN5). Also called: CYTOCHROME c OXIDASE DEFICIENCY, FRENCH CANADIAN TYPE; COX DEFICIENCY, FRENCH CANADIAN TYPE; MITOCHONDRIAL COMPLEX IV DEFICIENCY, NUCLEAR TYPE 5. Identifiers: Orphanet 70472, MedGen C1857355, MONDO:0009069, OMIM 220111.
LRPPRC-related disorder. Also called: LRPPRC-related condition.

Allele frequency attached by ClinVar (database versions not stated): gnomAD exomes 0.00008 and 0.00009; ExAC 0.00011; gnomAD 0.00050 and 0.00051; TOPMed 0.00073.
gnomAD v4.1: 207 of 1,504,288 alleles (0.014%); highest among the groups gnomAD compares: Middle Eastern, 0.19%; 1 homozygote.

Submissions (9):

CeGaT Center for Human Genetics Tuebingen
Classification: Uncertain significance. Last evaluated: 2026-08-01. Review status: criteria provided, single submitter. Criteria: CeGaT Center For Human Genetics Tuebingen Variant Classification Criteria Version 2. Collection method: clinical testing. Allele origin: germline. Affected: yes. Observed: 1 variant allele.
Comment: LRPPRC: PM2, PM3

Mayo Clinic Laboratories, Mayo Clinic
Classification: Uncertain significance. Last evaluated: 2024-12-13. Review status: criteria provided, single submitter. Criteria: ACMG Guidelines, 2015. Collection method: clinical testing. Allele origin: germline. Observed: 2 variant alleles.
Comment: BP4_moderate

Blueprint Genetics
Classification: Uncertain significance. Last evaluated: 2024-08-06. Review status: criteria provided, single submitter. Criteria: ACMG Guidelines, 2015. Collection method: clinical testing. Allele origin: germline.

Labcorp Genetics (formerly Invitae), Labcorp
Classification: Uncertain significance. Last evaluated: 2022-08-09. Review status: criteria provided, single submitter. Criteria: Invitae Variant Classification Sherloc (09022015). Collection method: clinical testing. Allele origin: germline.
Comment: This sequence change replaces arginine, which is basic and polar, with histidine, which is basic and polar, at codon 25 of the LRPPRC protein (p.Arg25His). This variant is present in population databases (rs780400922, gnomAD 0.2%). This variant has not been reported in the literature in individuals affected with LRPPRC-related conditions. ClinVar contains an entry for this variant (Variation ID: 336177). Algorithms developed to predict the effect of missense changes on protein structure and function are either unavailable or do not agree on the potential impact of this missense change (SIFT: "Tolerated"; PolyPhen-2: "Not Available"; Align-GVGD: "Class C0"). In summary, the available evidence is currently insufficient to determine the role of this variant in disease. Therefore, it has been classified as a Variant of Uncertain Significance.

Revvity Omics, Revvity
Classification: Uncertain significance for Congenital lactic acidosis, Saguenay-Lac-Saint-Jean type. Last evaluated: 2021-10-14. Review status: criteria provided, single submitter. Criteria: ACMG Guidelines, 2015. Collection method: clinical testing. Allele origin: germline.

Fulgent Genetics
Classification: Uncertain significance for Congenital lactic acidosis, Saguenay-Lac-Saint-Jean type. Last evaluated: 2018-10-31. Review status: criteria provided, single submitter. Criteria: ACMG Guidelines, 2015. Collection method: clinical testing. Allele origin: unknown.

Illumina Laboratory Services, Illumina
Classification: Uncertain significance for Congenital lactic acidosis, Saguenay-Lac-Saint-Jean type. Last evaluated: 2018-01-13. Review status: criteria provided, single submitter. Criteria: ICSL Variant Classification Criteria 13 December 2019. Collection method: clinical testing. Allele origin: germline.

Eurofins Ntd Llc (ga)
Classification: Uncertain significance. Last evaluated: 2017-05-26. Review status: criteria provided, single submitter. Criteria: EGL Classification Definitions 2015. Collection method: clinical testing. Allele origin: germline. Observed: 1 variant allele, 1 heterozygote.

PreventionGenetics, part of Exact Sciences
Classification: Likely benign for LRPPRC-related condition. Last evaluated: 2023-11-27. Review status: no assertion criteria provided. Collection method: clinical testing. Allele origin: germline. Not counted in ClinVar's aggregate classification.
Comment: This variant is classified as likely benign based on ACMG/AMP sequence variant interpretation guidelines (Richards et al. 2015 PMID: 25741868, with internal and published modifications).

Literature cited by the submitters: PubMed 37628588 (cited by Mayo Clinic Laboratories, Mayo Clinic).